The following is an entry in ClinVar:

NM_006314.3(CNKSR1):c.1692C>T (p.Asp564=)

Gene: CNKSR1 (connector enhancer of kinase suppressor of Ras 1; plus strand). Cytogenetic location: 1p36.11.
Variant type: single nucleotide variant.
Coding change: c.1692C>T on transcript NM_006314.3 (MANE Select); coding-DNA position 1692, C replaced by T.
Protein change: p.Asp564=; no amino-acid change (aspartic acid 564 retained).
Molecular consequence: synonymous variant.
Genome position (GRCh38, 1-based): chr1:26,188,773, C>T. VCF-style: chr1-26188773-C-T. GRCh37 (hg19) VCF-style: chr1-26515264-C-T.
Other names: c.1713C>T, p.Asp571= (NM_001297647.2); c.918C>T, p.Asp306= (NM_001297648.2).
Identifiers: ClinVar variation 2638508 (VCV002638508.24), dbSNP rs141991719, ClinGen allele CA700910.

ClinVar aggregate classification (germline): Likely benign (1 of 4 stars; one submission).

Allele frequency attached by ClinVar (database versions not stated): ESP Exome Variant Server 0.00092; 1000 Genomes Project 30x 0.00109; 1000 Genomes Project 0.00120.
gnomAD v4.1: 1,654 of 1,609,712 alleles (0.1%); highest among the groups gnomAD compares: Middle Eastern, 0.4%; 5 homozygotes.

Submission:

CeGaT Center for Human Genetics Tuebingen
Classification: Likely benign. Last evaluated: 2022-05-01. Review status: criteria provided, single submitter. Criteria: CeGaT Center For Human Genetics Tuebingen Variant Classification Criteria Version 2. Collection method: clinical testing. Allele origin: germline. Affected: yes. Observed: 1 variant allele.
Comment: CNKSR1: BP4, BP7